The following is an entry in ClinVar:

NM_001195.5(BFSP1):c.526C>T (p.His176Tyr)

Gene: BFSP1 (beaded filament structural protein 1; minus strand). Cytogenetic location: 20p12.1.
Variant type: single nucleotide variant.
Coding change: c.526C>T on transcript NM_001195.5 (MANE Select); coding-DNA position 526, C replaced by T.
Protein change: p.His176Tyr; replaces histidine 176 with tyrosine.
Molecular consequence: missense variant.
Genome position (GRCh38, 1-based): chr20:17,514,729, G>A on the plus strand (C>T on the coding strand, the complement: BFSP1 is on the minus strand). VCF-style: chr20-17514729-G-A. GRCh37 (hg19) VCF-style: chr20-17495374-G-A.
Other names: c.151C>T, p.His51Tyr (NM_001161705.2); c.109C>T, p.His37Tyr (NM_001278606.2, NM_001278608.2); c.193C>T, p.His65Tyr (NM_001278607.2); c.526C>T (NM_001195.3); short protein forms H176Y, H51Y, H65Y, H37Y.
Identifiers: ClinVar variation 1370723 (VCV001370723.8), dbSNP rs140135049, ClinGen allele CA9772311.

ClinVar aggregate classification (germline): Conflicting classifications of pathogenicity. Review status: criteria provided, conflicting classifications (1 of 4 stars). 2 submissions from 2 submitters: Uncertain significance (1); Likely benign (1). Last evaluated 2025-10-22.

Conditions:
Cataract 33. Also called: CATARACT 33, CORTICAL. Identifiers: Orphanet 91492, MedGen C3808107, MONDO:0012665, OMIM 611391.
Inborn genetic diseases. Identifiers: MedGen C0950123, MeSH D030342.

Allele frequency attached by ClinVar (database versions not stated): ESP Exome Variant Server 0.00015; gnomAD exomes 0.00015 and 0.00027; gnomAD 0.00027 and 0.00013; TOPMed 0.00034; ExAC 0.00011.
gnomAD v4.1: 429 of 1,613,838 alleles (0.027%); highest among the groups gnomAD compares: Non-Finnish European, 0.034%; no homozygotes.

Submissions (4):

Labcorp Genetics (formerly Invitae), Labcorp
Classification: Uncertain significance for Cataract 33. Last evaluated: 2025-10-22. Review status: criteria provided, single submitter. Criteria: Invitae Variant Classification Sherloc (09022015). Collection method: clinical testing. Allele origin: germline.
Comment: This sequence change replaces histidine, which is basic and polar, with tyrosine, which is neutral and polar, at codon 176 of the BFSP1 protein (p.His176Tyr). This variant is present in population databases (rs140135049, gnomAD 0.03%). This variant has not been reported in the literature in individuals affected with BFSP1-related conditions. ClinVar contains an entry for this variant (Variation ID: 1370723). Invitae Evidence Modeling of protein sequence and biophysical properties (such as structural, functional, and spatial information, amino acid conservation, physicochemical variation, residue mobility, and thermodynamic stability) indicates that this missense variant is not expected to disrupt BFSP1 protein function with a negative predictive value of 80%. In summary, the available evidence is currently insufficient to determine the role of this variant in disease. Therefore, it has been classified as a Variant of Uncertain Significance.

Ambry Genetics
Classification: Likely benign for Inborn genetic diseases. Last evaluated: 2022-12-19. Review status: criteria provided, single submitter. Criteria: Ambry Variant Classification Scheme 2023. Collection method: clinical testing. Allele origin: germline.

Dr. Peter K. Rogan Lab, Western University
No classification provided (evidence only). Condition: Melanoma. Review status: no classification provided. Collection method: in vitro. Allele origin: not applicable. Functional consequence: retained intron. Not counted in ClinVar's aggregate classification.

Dr. Peter K. Rogan Lab, Western University
No classification provided (evidence only). Condition: Uterine corpus endometrial carcinoma. Review status: no classification provided. Collection method: in vitro. Allele origin: not applicable. Functional consequence: retained intron. Not counted in ClinVar's aggregate classification.